The following is an entry in ClinVar:

ClinVar aggregate classification (germline): Uncertain significance (1 of 4 stars; one submission).

Allele frequency attached by ClinVar (database versions not stated): gnomAD exomes below 0.00001; ExAC 0.00002; gnomAD 0.00003; TOPMed 0.00014; 1000 Genomes Project 0.00020; 1000 Genomes Project 30x 0.00031.

Submission:

Ambry Genetics
Classification: Uncertain significance. Last evaluated: 2024-11-28. Review status: criteria provided, single submitter. Criteria: Ambry Variant Classification Scheme 2023. Collection method: clinical testing. Allele origin: germline.
Comment: The p.M1708T variant (also known as c.5123T>C), located in coding exon 22 of the WNK2 gene, results from a T to C substitution at nucleotide position 5123. The methionine at codon 1708 is replaced by threonine, an amino acid with similar properties. This amino acid position is conserved. In addition, this alteration is predicted to be tolerated by in silico analysis. Based on the available evidence, the clinical significance of this variant remains unclear.

NM_006648.4(WNK2):c.5123T>C (p.Met1708Thr)

Gene: WNK2 (WNK lysine deficient protein kinase 2; plus strand). Cytogenetic location: 9q22.31.
Variant type: single nucleotide variant.
Coding change: c.5123T>C on transcript NM_006648.4 (MANE Select); coding-DNA position 5123, T replaced by C.
Protein change: p.Met1708Thr; replaces methionine 1708 with threonine.
Molecular consequence: missense variant.
Genome position (GRCh38, 1-based): chr9:93,292,588, T>C. VCF-style: chr9-93292588-T-C. GRCh37 (hg19) VCF-style: chr9-96054870-T-C.
Other names: c.5234T>C, p.Met1745Thr (NM_001282394.3); short protein forms M1745T, M1708T.
Identifiers: ClinVar variation 3190646 (VCV003190646.2), dbSNP rs542096735, ClinGen allele CA5130519.
Genomic context (GRCh38, chr9:93,292,588, plus strand): 5'-CCACAGACAGGGATGGTGGAGAAGCTGGAGAAAGCTCGGCAGAGCCCCCGCCGAGTGACA[T>C]GGGCACAGTGGGGGGCCAGGCTAGCCACCCCCAGACACTCGGCGCTCGAGCTTTGGGGTC-3'
Protein context (NP_006639.3, residues 1698-1718): ESSAEPPPSD[Met1708Thr]GTVGGQASHP